The following is an entry in ClinVar:

ClinVar aggregate classification (germline): Uncertain significance. Review status: criteria provided, multiple submitters, no conflicts (2 of 4 stars). 2 submissions from 2 submitters: Uncertain significance (2). Last evaluated 2026-06-25.

Conditions:
Hereditary cancer-predisposing syndrome. Also called: Neoplastic Syndromes, Hereditary; Hereditary Cancer Syndrome; Hereditary neoplastic syndrome; Tumor predisposition. Identifiers: Orphanet 140162, MedGen C0027672, MeSH D009386, MONDO:0015356.
Tuberous sclerosis 2 (TSC2). Identifiers: Orphanet 805, MedGen C1860707, MONDO:0013199, OMIM 613254.

Submissions (2):

Ambry Genetics
Classification: Uncertain significance for Hereditary cancer-predisposing syndrome. Last evaluated: 2026-06-25. Review status: criteria provided, single submitter. Criteria: Ambry Variant Classification Scheme 2023. Collection method: clinical testing. Allele origin: germline.
Comment: The p.R1751P variant (also known as c.5252G>C), located in coding exon 40 of the TSC2 gene, results from a G to C substitution at nucleotide position 5252. The arginine at codon 1751 is replaced by proline, an amino acid with dissimilar properties. This amino acid position is highly conserved in available vertebrate species. In addition, this alteration is predicted to be deleterious by in silico analysis. Based on the available evidence, the clinical significance of this variant remains unclear.

Labcorp Genetics (formerly Invitae), Labcorp
Classification: Uncertain significance for Tuberous sclerosis 2. Last evaluated: 2024-02-04. Review status: criteria provided, single submitter. Criteria: Invitae Variant Classification Sherloc (09022015). Collection method: clinical testing. Allele origin: germline.
Comment: This sequence change replaces arginine, which is basic and polar, with proline, which is neutral and non-polar, at codon 1751 of the TSC2 protein (p.Arg1751Pro). This variant is not present in population databases (gnomAD no frequency). This variant has not been reported in the literature in individuals affected with TSC2-related conditions. ClinVar contains an entry for this variant (Variation ID: 574061). Advanced modeling of protein sequence and biophysical properties (such as structural, functional, and spatial information, amino acid conservation, physicochemical variation, residue mobility, and thermodynamic stability) has been performed at Invitae for this missense variant, however the output from this modeling did not meet the statistical confidence thresholds required to predict the impact of this variant on TSC2 protein function. In summary, the available evidence is currently insufficient to determine the role of this variant in disease. Therefore, it has been classified as a Variant of Uncertain Significance.

NM_000548.5(TSC2):c.5252G>C (p.Arg1751Pro)

Gene: TSC2 (TSC complex subunit 2; plus strand). Cytogenetic location: 16p13.3.
Variant type: single nucleotide variant.
Coding change: c.5252G>C on transcript NM_000548.5 (MANE Select); coding-DNA position 5252, G replaced by C.
Protein change: p.Arg1751Pro; replaces arginine 1751 with proline.
Molecular consequence: missense variant.
Genome position (GRCh38, 1-based): chr16:2,088,318, G>C. VCF-style: chr16-2088318-G-C. GRCh37 (hg19) VCF-style: chr16-2138319-G-C.
Other names: c.4907G>C, p.Arg1636Pro (NM_001318829.2); c.4520G>C, p.Arg1507Pro (NM_001318831.2); c.5084G>C, p.Arg1695Pro (NM_001318832.2); c.5054G>C, p.Arg1685Pro (NM_001363528.2); c.5120G>C, p.Arg1707Pro (NM_001370404.1); c.5111G>C, p.Arg1704Pro (NM_001370405.1); c.5123G>C, p.Arg1708Pro (NM_021055.3); c.5051G>C, p.Arg1684Pro (NM_001077183.3); and 2 more; short protein forms R1751P, R1685P, R1507P, R1707P, R1708P, R1684P, R1695P, R1636P.
Identifiers: ClinVar variation 574061 (VCV000574061.9), dbSNP rs373365980, ClinGen allele CA394314761.